The following is an entry in ClinVar:

NM_003640.5(ELP1):c.1052G>A (p.Trp351Ter)

Gene: ELP1 (elongator acetyltransferase complex subunit 1; minus strand). Cytogenetic location: 9q31.3.
Variant type: single nucleotide variant.
Coding change: c.1052G>A on transcript NM_003640.5 (MANE Select); coding-DNA position 1052, G replaced by A.
Protein change: p.Trp351Ter; replaces tryptophan 351 with a stop codon.
Molecular consequence: nonsense.
Genome position (GRCh38, 1-based): chr9:108,912,401, C>T on the plus strand (G>A on the coding strand, the complement: ELP1 is on the minus strand). VCF-style: chr9-108912401-C-T. GRCh37 (hg19) VCF-style: chr9-111674681-C-T.
Other names: c.710G>A, p.Trp237Ter (NM_001318360.2); c.5G>A, p.Trp2Ter (NM_001330749.2); short protein forms W351*, W2*, W237*.
Identifiers: ClinVar variation 1457404 (VCV001457404.7), dbSNP rs2132016798, ClinGen allele CA374429515.

ClinVar aggregate classification (germline): Pathogenic. Review status: criteria provided, multiple submitters, no conflicts (2 of 4 stars). 2 submissions from 2 submitters: Pathogenic (2). Last evaluated 2026-05-29.

Conditions:
Familial dysautonomia. Also called: FD; HSAN III. Identifiers: Orphanet 1764, MedGen C0013364, MONDO:0009131, OMIM 223900. Disease mechanism: loss of function.

Submissions (2):

Myriad Genetics, Inc.
Classification: Pathogenic for Familial dysautonomia. Last evaluated: 2026-05-29. Review status: criteria provided, single submitter. Criteria: Myriad Autosomal Dominant, Autosomal Recessive and X-Linked Classification Criteria (2023). Collection method: clinical testing. Allele origin: unknown.
Comment: NM_003640.3(ELP1):c.1052G>A(W351*) is expected to be pathogenic in the context of familial dysautonomia. This variant is predicted to lead to an abnormal or absent protein product due to the creation of a premature termination codon in ELP1, a gene where loss-of-function variants are known to be pathogenic. Please note: this variant was assessed in the context of healthy population screening.

Labcorp Genetics (formerly Invitae), Labcorp
Classification: Pathogenic. Last evaluated: 2021-08-24. Review status: criteria provided, single submitter. Criteria: Invitae Variant Classification Sherloc (09022015). Collection method: clinical testing. Allele origin: germline.
Comment: Algorithms developed to predict the effect of sequence changes on RNA splicing suggest that this variant may create or strengthen a splice site. For these reasons, this variant has been classified as Pathogenic. This variant has not been reported in the literature in individuals affected with ELP1-related conditions. This sequence change creates a premature translational stop signal (p.Trp351*) in the ELP1 gene. It is expected to result in an absent or disrupted protein product. Loss-of-function variants in ELP1 are known to be pathogenic (PMID: 18303054, 24173031). This variant is not present in population databases (ExAC no frequency).

Literature cited by the submitters: PubMed 18303054 (cited by Labcorp Genetics (formerly Invitae), Labcorp); PubMed 24173031 (cited by Labcorp Genetics (formerly Invitae), Labcorp).